The following is an entry in ClinVar:

ClinVar aggregate classification (germline): Pathogenic (1 of 4 stars; one submission).

Conditions:
Episodic kinesigenic dyskinesia (EKD). Also called: Paroxysmal kinesigenic dyskinesia. Identifiers: Orphanet 98809, MedGen C1868682, MONDO:0044202.

Submission:

Labcorp Genetics (formerly Invitae), Labcorp
Classification: Pathogenic for Episodic kinesigenic dyskinesia. Last evaluated: 2022-02-04. Review status: criteria provided, single submitter. Criteria: Invitae Variant Classification Sherloc (09022015). Collection method: clinical testing. Allele origin: germline.
Comment: For these reasons, this variant has been classified as Pathogenic. This variant has not been reported in the literature in individuals affected with PRRT2-related conditions. This variant is not present in population databases (gnomAD no frequency). This sequence change creates a premature translational stop signal (p.Cys278*) in the PRRT2 gene. It is expected to result in an absent or disrupted protein product. Loss-of-function variants in PRRT2 are known to be pathogenic (PMID: 22623405, 22744660).

Literature cited by the submitters: PubMed 22623405; PubMed 22744660.

NM_145239.3(PRRT2):c.834C>A (p.Cys278Ter)

Genes: MVP-DT (MVP divergent transcript; minus strand), PRRT2 (proline rich transmembrane protein 2; plus strand). Cytogenetic location: 16p11.2.
Variant type: single nucleotide variant.
Coding change: c.834C>A on transcript NM_145239.3 (MANE Select); coding-DNA position 834, C replaced by A.
Protein change: p.Cys278Ter; replaces cysteine 278 with a stop codon.
Molecular consequence: nonsense.
Genome position (GRCh38, 1-based): chr16:29,813,888, C>A. VCF-style: chr16-29813888-C-A. GRCh37 (hg19) VCF-style: chr16-29825209-C-A.
Other names: c.834C>A, p.Cys278Ter (NM_001256442.2, NM_001256443.2); short protein forms C278*.
Identifiers: ClinVar variation 1389218 (VCV001389218.6), dbSNP rs758654999, ClinGen allele CA395480014.
Genomic context (GRCh38, chr16:29,813,888, plus strand): 5'-GGGTGAAGGCACCCAGAAACCTCGGGACTACATCATCCTTGCCATCCTGTCCTGCTTCTG[C>A]CCCATGTGGCCTGTCAACATCGTGGCCTTCGCTTATGCTGTCATGGTGAGCCCCATGGGA-3'